The following is an entry in ClinVar:

ClinVar aggregate classification (germline): Uncertain significance (1 of 4 stars; one submission).

Submission:

Labcorp Genetics (formerly Invitae), Labcorp
Classification: Uncertain significance. Last evaluated: 2022-04-28. Review status: criteria provided, single submitter. Criteria: Invitae Variant Classification Sherloc (09022015). Collection method: clinical testing. Allele origin: germline.
Comment: In summary, the available evidence is currently insufficient to determine the role of this variant in disease. Therefore, it has been classified as a Variant of Uncertain Significance. Algorithms developed to predict the effect of missense changes on protein structure and function are either unavailable or do not agree on the potential impact of this missense change (SIFT: "Deleterious"; PolyPhen-2: "Benign"; Align-GVGD: "Class C0"). This variant has not been reported in the literature in individuals affected with RHOBTB2-related conditions. This variant is not present in population databases (gnomAD no frequency). This sequence change replaces alanine, which is neutral and non-polar, with threonine, which is neutral and polar, at codon 575 of the RHOBTB2 protein (p.Ala575Thr).

NM_015178.3(RHOBTB2):c.1657G>A (p.Ala553Thr)

Gene: RHOBTB2 (Rho related BTB domain containing 2; plus strand). Cytogenetic location: 8p21.3.
Variant type: single nucleotide variant.
Coding change: c.1657G>A on transcript NM_015178.3 (MANE Select); coding-DNA position 1657, G replaced by A.
Protein change: p.Ala553Thr; replaces alanine 553 with threonine.
Molecular consequence: missense variant.
Genome position (GRCh38, 1-based): chr8:23,010,574, G>A. VCF-style: chr8-23010574-G-A. GRCh37 (hg19) VCF-style: chr8-22868087-G-A.
Other names: c.1723G>A, p.Ala575Thr (NM_001160036.2); c.1678G>A, p.Ala560Thr (NM_001160037.2); c.1657G>A, p.Ala553Thr (NM_001374791.1); short protein forms A560T, A553T, A575T.
Identifiers: ClinVar variation 2127510 (VCV002127510.4), dbSNP rs2487028595, ClinGen allele CA370572207.